The following is an entry in ClinVar:

ClinVar aggregate classification (germline): Uncertain significance (1 of 4 stars; one submission).

Conditions:
Inborn genetic diseases. Identifiers: MedGen C0950123, MeSH D030342.

gnomAD v4.1: 1 of 1,608,414 alleles (0.000062%); highest among the groups gnomAD compares: Non-Finnish European, 0.000085%; no homozygotes.

Submission:

Ambry Genetics
Classification: Uncertain significance for Inborn genetic diseases. Last evaluated: 2024-11-27. Review status: criteria provided, single submitter. Criteria: Ambry Variant Classification Scheme 2023. Collection method: clinical testing. Allele origin: germline.
Comment: The p.P266R variant (also known as c.797C>G), located in coding exon 3 of the WT1 gene, results from a C to G substitution at nucleotide position 797. The proline at codon 266 is replaced by arginine, an amino acid with dissimilar properties. This amino acid position is conserved. In addition, this alteration is predicted to be deleterious by in silico analysis. Based on the available evidence, the clinical significance of this variant remains unclear.

NM_024426.6(WT1):c.812C>G (p.Pro271Arg)

Gene: WT1 (WT1 transcription factor; minus strand). Cytogenetic location: 11p13.
Variant type: single nucleotide variant.
Coding change: c.812C>G on transcript NM_024426.6 (MANE Select); coding-DNA position 812, C replaced by G.
Protein change: p.Pro271Arg; replaces proline 271 with arginine.
Molecular consequence: missense variant. On other transcripts: non-coding transcript variant (2).
Genome position (GRCh38, 1-based): chr11:32,428,031, G>C on the plus strand (C>G on the coding strand, the complement: WT1 is on the minus strand). VCF-style: chr11-32428031-G-C. GRCh37 (hg19) VCF-style: chr11-32449577-G-C.
Other names: c.812C>G, p.Pro271Arg (NM_000378.6, NM_001407044.1, NM_001407045.1 and 4 more transcripts); c.161C>G, p.Pro54Arg (NM_001198551.2, NM_001198552.2); c.689C>G, p.Pro230Arg (NM_001407047.1, NM_001407050.1); c.50C>G, p.Pro17Arg (NM_001407051.1); c.593C>G, p.Pro198Arg (NM_001429031.1, NM_001429032.1, NM_001429033.1 and 1 more transcripts); short protein forms P198R, P230R, P266R, P17R, P271R, P54R.
Identifiers: ClinVar variation 3470982 (VCV003470982.1).